The following is an entry in ClinVar:

ClinVar aggregate classification (germline): Uncertain significance. Review status: criteria provided, multiple submitters, no conflicts (2 of 4 stars). 2 submissions from 2 submitters: Uncertain significance (2). Last evaluated 2025-02-27.

Conditions:
Inborn genetic diseases. Identifiers: MedGen C0950123, MeSH D030342.

Allele frequency attached by ClinVar (database versions not stated): gnomAD exomes 0.00008; 1000 Genomes Project 30x 0.00016; gnomAD 0.00021 and 0.00019; TOPMed 0.00026; ExAC 0.00018; 1000 Genomes Project 0.00020.
gnomAD v4.1: 81 of 1,532,822 alleles (0.0053%); highest among the groups gnomAD compares: African/African-American, 0.053%; no homozygotes.

Submissions (2):

Ambry Genetics
Classification: Uncertain significance for Inborn genetic diseases. Last evaluated: 2025-02-27. Review status: criteria provided, single submitter. Criteria: Ambry Variant Classification Scheme 2023. Collection method: clinical testing. Allele origin: germline.

GeneDx
Classification: Uncertain significance. Last evaluated: 2017-05-31. Review status: criteria provided, single submitter. Criteria: GeneDx Variant Classification (06012015). Collection method: clinical testing. Allele origin: germline. Affected: yes.
Comment: The A429V variant in the WDR81 gene has not been reported previously as a pathogenic variant, nor as a benign variant, to our knowledge. The A429V variant is not observed in large population cohorts (Lek et al., 2016). The A429V variant is a conservative amino acid substitution, which is not likely to impact secondary protein structure as these residues share similar properties. In addition, this substitution occurs at a position that is not conserved, and in silico analysis predicts this variant likely does not alter the protein structure/function. We interpret A429V as a variant of uncertain significance.

NM_001163809.2(WDR81):c.1286C>T (p.Ala429Val)

Gene: WDR81 (WD repeat domain 81; plus strand). Cytogenetic location: 17p13.3.
Variant type: single nucleotide variant.
Coding change: c.1286C>T on transcript NM_001163809.2 (MANE Select); coding-DNA position 1286, C replaced by T.
Protein change: p.Ala429Val; replaces alanine 429 with valine.
Molecular consequence: missense variant. On other transcripts: intron variant (3).
Genome position (GRCh38, 1-based): chr17:1,726,245, C>T. VCF-style: chr17-1726245-C-T. GRCh37 (hg19) VCF-style: chr17-1629539-C-T.
Other names: c.-123-1745C>T (NM_152348.4); c.59-4135C>T (NM_001163673.2); c.-15+1459C>T (NM_001163811.2); short protein forms A429V.
Identifiers: ClinVar variation 432483 (VCV000432483.3), dbSNP rs554874427, ClinGen allele CA8273030.